The following is an entry in ClinVar:

NM_020949.3(SLC7A14):c.512C>T (p.Ala171Val)

Genes: SLC7A14 (solute carrier family 7 member 14; minus strand), SLC7A14-AS1 (SLC7A14 antisense RNA 1; plus strand). Cytogenetic location: 3q26.2.
Variant type: single nucleotide variant.
Coding change: c.512C>T on transcript NM_020949.3 (MANE Select); coding-DNA position 512, C replaced by T.
Protein change: p.Ala171Val; replaces alanine 171 with valine.
Molecular consequence: missense variant.
Genome position (GRCh38, 1-based): chr3:170,501,138, G>A on the plus strand (C>T on the coding strand, the complement: SLC7A14 is on the minus strand). VCF-style: chr3-170501138-G-A. GRCh37 (hg19) VCF-style: chr3-170218927-G-A.
Other names: short protein forms A171V.
Identifiers: ClinVar variation 1353290 (VCV001353290.9), dbSNP rs773294473, ClinGen allele CA2701920.

ClinVar aggregate classification (germline): Uncertain significance. Review status: criteria provided, multiple submitters, no conflicts (2 of 4 stars). 2 submissions from 2 submitters: Uncertain significance (2). Last evaluated 2024-02-03.

Allele frequency attached by ClinVar (database versions not stated): ExAC 0.00001.
gnomAD v4.1: 5 of 1,614,218 alleles (0.00031%); highest among the groups gnomAD compares: Admixed American, 0.0033%; no homozygotes.

Submissions (2):

Labcorp Genetics (formerly Invitae), Labcorp
Classification: Uncertain significance. Last evaluated: 2024-02-03. Review status: criteria provided, single submitter. Criteria: Invitae Variant Classification Sherloc (09022015). Collection method: clinical testing. Allele origin: germline.
Comment: This sequence change replaces alanine, which is neutral and non-polar, with valine, which is neutral and non-polar, at codon 171 of the SLC7A14 protein (p.Ala171Val). This variant is present in population databases (rs773294473, gnomAD 0.003%). This variant has not been reported in the literature in individuals affected with SLC7A14-related conditions. ClinVar contains an entry for this variant (Variation ID: 1353290). Algorithms developed to predict the effect of missense changes on protein structure and function output the following: SIFT: "Not Available"; PolyPhen-2: "Benign"; Align-GVGD: "Not Available". The valine amino acid residue is found in multiple mammalian species, which suggests that this missense change does not adversely affect protein function. In summary, the available evidence is currently insufficient to determine the role of this variant in disease. Therefore, it has been classified as a Variant of Uncertain Significance.

Blueprint Genetics
Classification: Uncertain significance. Last evaluated: 2019-07-19. Review status: criteria provided, single submitter. Criteria: ACMG Guidelines, 2015. Collection method: clinical testing. Allele origin: germline.